The following is an entry in ClinVar:

NM_015021.3(ZNF292):c.7363G>A (p.Val2455Ile)

Gene: ZNF292 (zinc finger protein 292; plus strand). Cytogenetic location: 6q14.3.
Variant type: single nucleotide variant.
Coding change: c.7363G>A on transcript NM_015021.3 (MANE Select); coding-DNA position 7363, G replaced by A.
Protein change: p.Val2455Ile; replaces valine 2455 with isoleucine.
Molecular consequence: missense variant.
Genome position (GRCh38, 1-based): chr6:87,260,992, G>A. VCF-style: chr6-87260992-G-A. GRCh37 (hg19) VCF-style: chr6-87970710-G-A.
Other names: c.6943G>A, p.Val2315Ile (NM_001351444.2); short protein forms V2315I, V2455I.
Identifiers: ClinVar variation 2482897 (VCV002482897.4), dbSNP rs1467132597, ClinGen allele CA364943149.

ClinVar aggregate classification (germline): Uncertain significance (1 of 4 stars; one submission).

Conditions:
Inborn genetic diseases. Identifiers: MedGen C0950123, MeSH D030342.

gnomAD v4.1: 1 of 1,606,578 alleles (0.000062%); no homozygotes.

Submission:

Ambry Genetics
Classification: Uncertain significance for Inborn genetic diseases. Last evaluated: 2025-08-11. Review status: criteria provided, single submitter. Criteria: Ambry Variant Classification Scheme 2023. Collection method: clinical testing. Allele origin: germline.
Comment: The c.7363G>A (p.V2455I) alteration is located in exon 8 (coding exon 8) of the ZNF292 gene. This alteration results from a G to A substitution at nucleotide position 7363, causing the valine (V) at amino acid position 2455 to be replaced by an isoleucine (I). This variant was not reported in population-based cohorts in the Genome Aggregation Database (gnomAD). This amino acid position is not well conserved in available vertebrate species. This alteration is predicted to be tolerated by in silico analysis. Based on insufficient or conflicting evidence, the clinical significance of this alteration remains unclear.